The following is an entry in ClinVar:

ClinVar aggregate classification (germline): Conflicting classifications of pathogenicity. Review status: criteria provided, conflicting classifications (1 of 4 stars). 2 submissions from 2 submitters: Uncertain significance (1); Likely benign (1). Last evaluated 2025-06-27.

Allele frequency attached by ClinVar (database versions not stated): TOPMed 0.00005; gnomAD exomes 0.00006; gnomAD 0.00002.
gnomAD v4.1: 59 of 1,134,592 alleles (0.0052%); highest among the groups gnomAD compares: Non-Finnish European, 0.0059%; no homozygotes.

Submissions (2):

Mayo Clinic Laboratories, Mayo Clinic
Classification: Likely benign. Last evaluated: 2025-06-27. Review status: criteria provided, single submitter. Criteria: ACMG Guidelines, 2015. Collection method: clinical testing. Allele origin: germline. Observed: 1 variant allele.
Comment: BP4, BP7, PM2_supporting

GeneDx
Classification: Uncertain significance. Last evaluated: 2019-11-13. Review status: criteria provided, single submitter. Criteria: GeneDx Variant Classification Process June 2021. Collection method: clinical testing. Allele origin: germline. Affected: yes.
Comment: Not observed in large population cohorts (Lek et al., 2016); Has not been previously published as pathogenic or benign to our knowledge; Located in a region that tolerates variation and lacks pathogenic variants

NM_014244.5(ADAMTS2):c.-5C>T

Gene: ADAMTS2 (ADAM metallopeptidase with thrombospondin type 1 motif 2; minus strand). Cytogenetic location: 5q35.3.
Variant type: single nucleotide variant.
Coding change: c.-5C>T on transcript NM_014244.5 (MANE Select); 5 bases upstream of the start codon, C replaced by T.
Molecular consequence: 5 prime UTR variant.
Genome position (GRCh38, 1-based): chr5:179,345,333, G>A on the plus strand (C>T on the coding strand, the complement: ADAMTS2 is on the minus strand). VCF-style: chr5-179345333-G-A. GRCh37 (hg19) VCF-style: chr5-178772334-G-A.
Other names: c.-5C>T (NM_021599.4).
Identifiers: ClinVar variation 1310292 (VCV001310292.3), dbSNP rs1480092350, ClinGen allele CA808279458.